The following is an entry in ClinVar:

ClinVar aggregate classification (germline): Uncertain significance (1 of 4 stars; one submission).

Conditions:
Neurofibromatosis, type 1 (NF1). Also called: Peripheral type neurofibromatosis; VON RECKLINGHAUSEN DISEASE; NEUROFIBROMATOSIS, TYPE I, SOMATIC; Neurofibromatosis, type I. Identifiers: Orphanet 636, MedGen C0027831, MONDO:0018975, OMIM 162200. Disease mechanism: loss of function.

Submission:

Labcorp Genetics (formerly Invitae), Labcorp
Classification: Uncertain significance for Neurofibromatosis, type 1. Last evaluated: 2023-12-29. Review status: criteria provided, single submitter. Criteria: Invitae Variant Classification Sherloc (09022015). Collection method: clinical testing. Allele origin: germline.
Comment: This sequence change replaces threonine, which is neutral and polar, with serine, which is neutral and polar, at codon 2646 of the NF1 protein (p.Thr2646Ser). This variant is not present in population databases (gnomAD no frequency). This variant has not been reported in the literature in individuals affected with NF1-related conditions. Advanced modeling of protein sequence and biophysical properties (such as structural, functional, and spatial information, amino acid conservation, physicochemical variation, residue mobility, and thermodynamic stability) performed at Invitae indicates that this missense variant is not expected to disrupt NF1 protein function with a negative predictive value of 95%. In summary, the available evidence is currently insufficient to determine the role of this variant in disease. Therefore, it has been classified as a Variant of Uncertain Significance.

NM_001042492.3(NF1):c.7999A>T (p.Thr2667Ser)

Gene: NF1 (neurofibromin 1; plus strand). Cytogenetic location: 17q11.2.
Variant type: single nucleotide variant.
Coding change: c.7999A>T on transcript NM_001042492.3 (MANE Select); coding-DNA position 7999, A replaced by T.
Protein change: p.Thr2667Ser; replaces threonine 2667 with serine.
Molecular consequence: missense variant.
Genome position (GRCh38, 1-based): chr17:31,358,508, A>T. VCF-style: chr17-31358508-A-T. GRCh37 (hg19) VCF-style: chr17-29685526-A-T.
Other names: c.7936A>T, p.Thr2646Ser (NM_000267.4); short protein forms T2646S, T2667S.
Identifiers: ClinVar variation 2706320 (VCV002706320.3), dbSNP rs995645937, ClinGen allele CA399203647.
Genomic context (GRCh38, chr17:31,358,508, plus strand): 5'-ATGTTCCTCTGTTGACTTTTTTTTTCTTTTAGGCATAATTTGTTGGACTCTAAGATCAAC[A>T]CCCTGTTATCATTGTGCCAAGATCCAAATTTGTTAAATCCAATCCATGGAATTGTGCAGA-3'
Protein context (NP_001035957.1, residues 2657-2677): VHNLLDSKIN[Thr2667Ser]LLSLCQDPNL